The following is an entry in ClinVar:

NM_006922.4(SCN3A):c.38G>A (p.Ser13Asn)

Gene: SCN3A (sodium voltage-gated channel alpha subunit 3; minus strand). Cytogenetic location: 2q24.3.
Variant type: single nucleotide variant.
Coding change: c.38G>A on transcript NM_006922.4 (MANE Select); coding-DNA position 38, G replaced by A.
Protein change: p.Ser13Asn; replaces serine 13 with asparagine.
Molecular consequence: missense variant.
Genome position (GRCh38, 1-based): chr2:165,176,357, C>T on the plus strand (G>A on the coding strand, the complement: SCN3A is on the minus strand). VCF-style: chr2-165176357-C-T. GRCh37 (hg19) VCF-style: chr2-166032867-C-T.
Other names: c.38G>A, p.Ser13Asn (NM_001081676.2, NM_001081677.2); short protein forms S13N.
Identifiers: ClinVar variation 3377867 (VCV003377867.1).

ClinVar aggregate classification (germline): Uncertain significance (1 of 4 stars; one submission).

Submission:

GeneDx
Classification: Uncertain significance. Last evaluated: 2024-05-14. Review status: criteria provided, single submitter. Criteria: GeneDx Variant Classification Process June 2021. Collection method: clinical testing. Allele origin: germline. Affected: yes.
Comment: Not observed at significant frequency in large population cohorts (gnomAD); In silico analysis supports that this missense variant has a deleterious effect on protein structure/function; Has not been previously published as pathogenic or benign to our knowledge